The following is an entry in ClinVar:

ClinVar aggregate classification (germline): Uncertain significance (1 of 4 stars; one submission).

Conditions:
Peutz-Jeghers syndrome (PJS). Also called: POLYPOSIS, HAMARTOMATOUS INTESTINAL; POLYPS-AND-SPOTS SYNDROME; Peutz-Jeghers polyposis; Periorificial lentiginosis syndrome. Identifiers: Orphanet 2869, MedGen C0031269, MeSH D010580, MONDO:0008280, OMIM 175200.

Submission:

Labcorp Genetics (formerly Invitae), Labcorp
Classification: Uncertain significance for Peutz-Jeghers syndrome. Last evaluated: 2020-02-24. Review status: criteria provided, single submitter. Criteria: Invitae Variant Classification Sherloc (09022015). Collection method: clinical testing. Allele origin: germline.
Comment: In summary, the available evidence is currently insufficient to determine the role of this variant in disease. Therefore, it has been classified as a Variant of Uncertain Significance. Algorithms developed to predict the effect of missense changes on protein structure and function are either unavailable or do not agree on the potential impact of this missense change (SIFT: "Tolerated"; PolyPhen-2: "Possibly Damaging"; Align-GVGD: "Class C0"). This variant has not been reported in the literature in individuals with STK11-related conditions. This variant is not present in population databases (ExAC no frequency). This sequence change replaces proline with threonine at codon 321 of the STK11 protein (p.Pro321Thr). The proline residue is highly conserved and there is a small physicochemical difference between proline and threonine.

NM_000455.5(STK11):c.961C>A (p.Pro321Thr)

Gene: STK11 (serine/threonine kinase 11; plus strand). Cytogenetic location: 19p13.3.
Variant type: single nucleotide variant.
Coding change: c.961C>A on transcript NM_000455.5 (MANE Select); coding-DNA position 961, C replaced by A.
Protein change: p.Pro321Thr; replaces proline 321 with threonine.
Molecular consequence: missense variant.
Genome position (GRCh38, 1-based): chr19:1,223,025, C>A. VCF-style: chr19-1223025-C-A. GRCh37 (hg19) VCF-style: chr19-1223024-C-A.
Other names: short protein forms P321T.
Identifiers: ClinVar variation 1000179 (VCV001000179.9), dbSNP rs1377304428, ClinGen allele CA402951546.